The following is an entry in ClinVar:

ClinVar aggregate classification (germline): Uncertain significance. Review status: criteria provided, multiple submitters, no conflicts (2 of 4 stars). 2 submissions from 2 submitters: Uncertain significance (2). Last evaluated 2025-06-12.

Conditions:
Autosomal dominant polycystic kidney disease. Identifiers: Orphanet 730, MedGen C0085413, MONDO:0004691.
Inborn genetic diseases. Identifiers: MedGen C0950123, MeSH D030342.

gnomAD v4.1: 35 of 1,612,504 alleles (0.0022%); highest among the groups gnomAD compares: African/African-American, 0.0053%; no homozygotes.

Submissions (2):

Labcorp Genetics (formerly Invitae), Labcorp
Classification: Uncertain significance for Autosomal dominant polycystic kidney disease. Last evaluated: 2025-06-12. Review status: criteria provided, single submitter. Criteria: Invitae Variant Classification Sherloc (09022015). Collection method: clinical testing. Allele origin: germline.
Comment: This sequence change replaces isoleucine, which is neutral and non-polar, with valine, which is neutral and non-polar, at codon 497 of the PKD2 protein (p.Ile497Val). This variant is present in population databases (no rsID available, gnomAD 0.0009%). This variant has not been reported in the literature in individuals affected with PKD2-related conditions. ClinVar contains an entry for this variant (Variation ID: 2153414). Invitae Evidence Modeling of protein sequence and biophysical properties (such as structural, functional, and spatial information, amino acid conservation, physicochemical variation, residue mobility, and thermodynamic stability) indicates that this missense variant is not expected to disrupt PKD2 protein function with a negative predictive value of 80%. In summary, the available evidence is currently insufficient to determine the role of this variant in disease. Therefore, it has been classified as a Variant of Uncertain Significance.

Ambry Genetics
Classification: Uncertain significance for Inborn genetic diseases. Last evaluated: 2025-04-14. Review status: criteria provided, single submitter. Criteria: Ambry Variant Classification Scheme 2023. Collection method: clinical testing. Allele origin: germline.

NM_000297.4(PKD2):c.1489A>G (p.Ile497Val)

Gene: PKD2 (polycystin 2, transient receptor potential cation channel; plus strand). Cytogenetic location: 4q22.1.
Variant type: single nucleotide variant.
Coding change: c.1489A>G on transcript NM_000297.4 (MANE Select); coding-DNA position 1489, A replaced by G.
Protein change: p.Ile497Val; replaces isoleucine 497 with valine.
Molecular consequence: missense variant. On other transcripts: non-coding transcript variant (1).
Genome position (GRCh38, 1-based): chr4:88,046,811, A>G. VCF-style: chr4-88046811-A-G. GRCh37 (hg19) VCF-style: chr4-88967963-A-G.
Other names: c.1489A>G (NM_000297.3); short protein forms I497V.
Identifiers: ClinVar variation 2153414 (VCV002153414.5), dbSNP rs1452727902, ClinGen allele CA357619597.